The following is an entry in ClinVar:

ClinVar aggregate classification (germline): Uncertain significance. Review status: criteria provided, multiple submitters, no conflicts (2 of 4 stars). 2 submissions from 2 submitters: Uncertain significance (2). Last evaluated 2025-11-26.

Conditions:
Inborn genetic diseases. Identifiers: MedGen C0950123, MeSH D030342.

gnomAD v4.1: 7 of 1,614,000 alleles (0.00043%); highest among the groups gnomAD compares: Admixed American, 0.012%; no homozygotes.

Submissions (2):

Labcorp Genetics (formerly Invitae), Labcorp
Classification: Uncertain significance. Last evaluated: 2025-11-26. Review status: criteria provided, single submitter. Criteria: Invitae Variant Classification Sherloc (09022015). Collection method: clinical testing. Allele origin: germline.
Comment: This sequence change replaces histidine, which is basic and polar, with tyrosine, which is neutral and polar, at codon 104 of the PHF21A protein (p.His104Tyr). This variant is present in population databases (rs774658103, gnomAD 0.01%). This variant has not been reported in the literature in individuals affected with PHF21A-related conditions. ClinVar contains an entry for this variant (Variation ID: 4135707). An algorithm developed to predict the effect of missense changes on protein structure and function (PolyPhen-2) suggests that this variant is likely to be tolerated. In summary, the available evidence is currently insufficient to determine the role of this variant in disease. Therefore, it has been classified as a Variant of Uncertain Significance.

Ambry Genetics
Classification: Uncertain significance for Inborn genetic diseases. Last evaluated: 2025-07-13. Review status: criteria provided, single submitter. Criteria: Ambry Variant Classification Scheme 2023. Collection method: clinical testing. Allele origin: germline.

NM_001352027.3(PHF21A):c.310C>T (p.His104Tyr)

Gene: PHF21A (PHD finger protein 21A; minus strand). Cytogenetic location: 11p11.2.
Variant type: single nucleotide variant.
Coding change: c.310C>T on transcript NM_001352027.3 (MANE Select); coding-DNA position 310, C replaced by T.
Protein change: p.His104Tyr; replaces histidine 104 with tyrosine.
Molecular consequence: missense variant. On other transcripts: non-coding transcript variant (2).
Genome position (GRCh38, 1-based): chr11:45,979,810, G>A on the plus strand (C>T on the coding strand, the complement: PHF21A is on the minus strand). VCF-style: chr11-45979810-G-A. GRCh37 (hg19) VCF-style: chr11-46001361-G-A.
Other names: c.310C>T, p.His104Tyr (NM_001101802.3, NM_001352025.3, NM_001352026.3 and 9 more transcripts); c.331C>T, p.His111Tyr (NM_001441167.1, NM_001441168.1, NM_001441169.1); short protein forms H111Y, H104Y.
Identifiers: ClinVar variation 4135707 (VCV004135707.2).